The following is an entry in ClinVar:

NM_173728.4(ARHGEF15):c.478G>A (p.Gly160Ser)

Gene: ARHGEF15 (Rho guanine nucleotide exchange factor 15; plus strand). Cytogenetic location: 17p13.1.
Variant type: single nucleotide variant.
Coding change: c.478G>A on transcript NM_173728.4 (MANE Select); coding-DNA position 478, G replaced by A.
Protein change: p.Gly160Ser; replaces glycine 160 with serine.
Molecular consequence: missense variant.
Genome position (GRCh38, 1-based): chr17:8,312,517, G>A. VCF-style: chr17-8312517-G-A. GRCh37 (hg19) VCF-style: chr17-8215835-G-A.
Other names: c.478G>A, p.Gly160Ser (NM_025014.2); short protein forms G160S.
Identifiers: ClinVar variation 1425033 (VCV001425033.6), dbSNP rs755181959, ClinGen allele CA8374867.
Genomic context (GRCh38, chr17:8,312,517, plus strand): 5'-CAGAATGGCTCTGCCTCAGCTCCTGGCACTGTGCGGAGGCTGGCTGGCAGGTTTGAAGGG[G>A]GTGCTGAAGGCCGGGCTCAGGATGCAGATGCCCCGGAGCCAGGTCTCCAAGCGAGAGCAG-3'
Protein context (NP_776089.2, residues 150-170): VRRLAGRFEG[Gly160Ser]AEGRAQDADA

ClinVar aggregate classification (germline): Uncertain significance (1 of 4 stars; one submission).

Conditions:
Early-infantile DEE. Also called: Ohtahara syndrome; Early infantile epileptic encephalopathy with suppression bursts; Early infantile epileptic encephalopathy. Identifiers: Orphanet 1934, MedGen C0393706, MONDO:0800491.

Allele frequency attached by ClinVar (database versions not stated): gnomAD exomes below 0.00001 and 0.00001; ExAC 0.00001; gnomAD 0.00001; TOPMed 0.00001.

Submission:

Labcorp Genetics (formerly Invitae), Labcorp
Classification: Uncertain significance for Early-infantile DEE. Last evaluated: 2024-04-05. Review status: criteria provided, single submitter. Criteria: Invitae Variant Classification Sherloc (09022015). Collection method: clinical testing. Allele origin: germline.
Comment: This sequence change replaces glycine, which is neutral and non-polar, with serine, which is neutral and polar, at codon 160 of the ARHGEF15 protein (p.Gly160Ser). This variant is present in population databases (rs755181959, gnomAD 0.003%). This variant has not been reported in the literature in individuals affected with ARHGEF15-related conditions. ClinVar contains an entry for this variant (Variation ID: 1425033). An algorithm developed to predict the effect of missense changes on protein structure and function (PolyPhen-2) suggests that this variant is likely to be disruptive. In summary, the available evidence is currently insufficient to determine the role of this variant in disease. Therefore, it has been classified as a Variant of Uncertain Significance.